The following is an entry in ClinVar:

NM_003235.5(TG):c.3529del (p.Ser1177fs)

Gene: TG (thyroglobulin; plus strand). Cytogenetic location: 8q24.22.
Variant type: Deletion.
Coding change: c.3529del on transcript NM_003235.5 (MANE Select); coding-DNA position 3529, one base deleted (T; older notation c.3529delT).
Protein change: p.Ser1177fs; shifts the reading frame from serine 1177.
Molecular consequence: frameshift variant.
Genome position (GRCh38, 1-based): chr8:132,901,448, T deleted; the last of 4 consecutive T bases (chr8:132,901,445-132,901,448); deleting any one gives the same sequence. VCF-style (leftmost placement, unchanged base first): chr8-132901444-CT-C. GRCh37 (hg19) VCF-style: chr8-133913689-CT-C.
Other names: short protein forms S1177fs.
Identifiers: ClinVar variation 452242 (VCV000452242.2), dbSNP rs1554662694, ClinGen allele CA658657829.

ClinVar aggregate classification (germline): Likely pathogenic (1 of 4 stars; one submission).

Submission:

GeneDx
Classification: Likely pathogenic. Last evaluated: 2017-09-20. Review status: criteria provided, single submitter. Criteria: GeneDx Variant Classification (06012015). Collection method: clinical testing. Allele origin: germline. Affected: yes.
Comment: The c.3529delT likely pathogenic variant in the TG gene has not been reported previously as a pathogenic variant nor as a benign variant, to our knowledge. The c.3529delT variant causes a frameshift starting with codon Serine 1177, changes this amino acid to a Proline residue, and creates a premature Stop codon at position 27of the new reading frame, denoted p.Ser1177ProfsX27. This variant is predicted to cause loss of normal protein function either through protein truncation or nonsense-mediated mRNA decay. The c.3529delT variant is not observed in large population cohorts (Lek et al., 2016). We interpret c.3529delT as a likely pathogenic variant.